The following is an entry in ClinVar:

ClinVar aggregate classification (germline): Uncertain significance. Review status: criteria provided, multiple submitters, no conflicts (2 of 4 stars). 2 submissions from 2 submitters: Uncertain significance (2). Last evaluated 2024-03-05.

Submissions (2):

Ambry Genetics
Classification: Uncertain significance. Last evaluated: 2024-03-05. Review status: criteria provided, single submitter. Criteria: Ambry Variant Classification Scheme 2023. Collection method: clinical testing. Allele origin: germline.

Labcorp Genetics (formerly Invitae), Labcorp
Classification: Uncertain significance. Last evaluated: 2022-11-06. Review status: criteria provided, single submitter. Criteria: Invitae Variant Classification Sherloc (09022015). Collection method: clinical testing. Allele origin: germline.
Comment: In summary, the available evidence is currently insufficient to determine the role of this variant in disease. Therefore, it has been classified as a Variant of Uncertain Significance. Advanced modeling of protein sequence and biophysical properties (such as structural, functional, and spatial information, amino acid conservation, physicochemical variation, residue mobility, and thermodynamic stability) performed at Invitae indicates that this missense variant is not expected to disrupt EXOSC2 protein function. This variant has not been reported in the literature in individuals affected with EXOSC2-related conditions. This variant is not present in population databases (gnomAD no frequency). This sequence change replaces leucine, which is neutral and non-polar, with valine, which is neutral and non-polar, at codon 251 of the EXOSC2 protein (p.Leu251Val).

NM_014285.7(EXOSC2):c.751C>G (p.Leu251Val)

Gene: EXOSC2 (exosome component 2; plus strand). Cytogenetic location: 9q34.12.
Variant type: single nucleotide variant.
Coding change: c.751C>G on transcript NM_014285.7 (MANE Select); coding-DNA position 751, C replaced by G.
Protein change: p.Leu251Val; replaces leucine 251 with valine.
Molecular consequence: missense variant. On other transcripts: non-coding transcript variant (1).
Genome position (GRCh38, 1-based): chr9:130,703,131, C>G. VCF-style: chr9-130703131-C-G. GRCh37 (hg19) VCF-style: chr9-133578518-C-G.
Other names: c.673C>G, p.Leu225Val (NM_001282708.1); c.661C>G, p.Leu221Val (NM_001282709.1); c.751C>G (NM_014285.5); short protein forms L221V, L225V, L251V.
Identifiers: ClinVar variation 3005532 (VCV003005532.4), dbSNP rs2490804291, ClinGen allele CA375248340.